The following is an entry in ClinVar:

ClinVar aggregate classification (germline): Uncertain significance (1 of 4 stars; one submission).

Allele frequency attached by ClinVar (database versions not stated): gnomAD exomes below 0.00001; TOPMed 0.00001; gnomAD 0.00003; ExAC 0.00008; 1000 Genomes Project 30x 0.00016; 1000 Genomes Project 0.00020.
gnomAD v4.1: 11 of 1,574,578 alleles (0.0007%); highest among the groups gnomAD compares: Admixed American, 0.0075%; no homozygotes.

Submission:

Labcorp Genetics (formerly Invitae), Labcorp
Classification: Uncertain significance. Last evaluated: 2025-05-13. Review status: criteria provided, single submitter. Criteria: Invitae Variant Classification Sherloc (09022015). Collection method: clinical testing. Allele origin: germline.
Comment: This sequence change replaces alanine, which is neutral and non-polar, with valine, which is neutral and non-polar, at codon 226 of the SEPT9 protein (p.Ala226Val). This variant is present in population databases (rs528101392, gnomAD 0.008%). This variant has not been reported in the literature in individuals affected with SEPT9-related conditions. ClinVar contains an entry for this variant (Variation ID: 2445542). Invitae Evidence Modeling of protein sequence and biophysical properties (such as structural, functional, and spatial information, amino acid conservation, physicochemical variation, residue mobility, and thermodynamic stability) indicates that this missense variant is not expected to disrupt SEPT9 protein function with a negative predictive value of 80%. In summary, the available evidence is currently insufficient to determine the role of this variant in disease. Therefore, it has been classified as a Variant of Uncertain Significance.

NM_001113491.2(SEPTIN9):c.731C>T (p.Ala244Val)

Gene: SEPTIN9 (septin 9; plus strand). Cytogenetic location: 17q25.3.
Variant type: single nucleotide variant.
Coding change: c.731C>T on transcript NM_001113491.2 (MANE Select); coding-DNA position 731, C replaced by T.
Protein change: p.Ala244Val; replaces alanine 244 with valine.
Molecular consequence: missense variant. On other transcripts: 5 prime UTR variant (4).
Genome position (GRCh38, 1-based): chr17:77,482,153, C>T. VCF-style: chr17-77482153-C-T. GRCh37 (hg19) VCF-style: chr17-75478235-C-T.
Other names: c.239C>T, p.Ala80Val (NM_001113492.2, NM_001113494.1); c.710C>T, p.Ala237Val (NM_001113493.2); c.-23C>T (NM_001113495.2, NM_001113496.2, NM_001293697.2 and 1 more transcripts); c.674C>T, p.Ala225Val (NM_001293695.2); c.59C>T, p.Ala20Val (NM_001293696.2); c.677C>T, p.Ala226Val (NM_006640.5); short protein forms A20V, A225V, A226V, A237V, A244V, A80V.
Identifiers: ClinVar variation 2445542 (VCV002445542.4), dbSNP rs528101392, ClinGen allele CA8793511.